The following is an entry in ClinVar:

ClinVar aggregate classification (germline): Uncertain significance (1 of 4 stars; one submission).

Conditions:
Joubert syndrome. Also called: CEREBELLOPARENCHYMAL DISORDER IV; JOUBERT-BOLTSHAUSER SYNDROME; Familial aplasia of the vermis. Identifiers: Orphanet 475, MedGen C5979921, MONDO:0018772.
Orofaciodigital syndrome I (OFD1). Also called: OFDS I; Papillon-Leage and Psaume Syndrome; Oral-Facial-Digital Syndrome Type I. Identifiers: Orphanet 2750, MedGen C1510460, MONDO:0010702, OMIM 311200.

Submission:

Labcorp Genetics (formerly Invitae), Labcorp
Classification: Uncertain significance for Orofaciodigital syndrome I; Joubert syndrome. Last evaluated: 2023-02-24. Review status: criteria provided, single submitter. Criteria: Invitae Variant Classification Sherloc (09022015). Collection method: clinical testing. Allele origin: germline.
Comment: In summary, the available evidence is currently insufficient to determine the role of this variant in disease. Therefore, it has been classified as a Variant of Uncertain Significance. Advanced modeling of protein sequence and biophysical properties (such as structural, functional, and spatial information, amino acid conservation, physicochemical variation, residue mobility, and thermodynamic stability) performed at Invitae indicates that this missense variant is not expected to disrupt OFD1 protein function. This variant has not been reported in the literature in individuals affected with OFD1-related conditions. This variant is not present in population databases (gnomAD no frequency). This sequence change replaces serine, which is neutral and polar, with cysteine, which is neutral and slightly polar, at codon 783 of the OFD1 protein (p.Ser783Cys).

NM_003611.3(OFD1):c.2348C>G (p.Ser783Cys)

Gene: OFD1 (OFD1 centriole and centriolar satellite protein; plus strand). Cytogenetic location: Xp22.2.
Variant type: single nucleotide variant.
Coding change: c.2348C>G on transcript NM_003611.3 (MANE Select); coding-DNA position 2348, C replaced by G.
Protein change: p.Ser783Cys; replaces serine 783 with cysteine.
Molecular consequence: missense variant.
Genome position (GRCh38, 1-based): chrX:13,761,172, C>G. VCF-style: chrX-13761172-C-G. GRCh37 (hg19) VCF-style: chrX-13779291-C-G.
Other names: c.2228C>G, p.Ser743Cys (NM_001330209.2); c.1928C>G, p.Ser643Cys (NM_001330210.2); short protein forms S743C, S783C, S643C.
Identifiers: ClinVar variation 2944692 (VCV002944692.3), dbSNP rs2518947065, ClinGen allele CA412345057.
Genomic context (GRCh38, chrX:13,761,172, plus strand): 5'-CCAGTCCTTGTCCTGACAGAATGCCCCTACCATCACCCACTGAGTCTAGGCACAGCCTCT[C>G]CATCCCTCCTGTCTCCAGCCCTCCGGAGCAGAAAGTGGGGTAAGTATAACGTTCTGATTG-3'
Protein context (NP_003602.1, residues 773-793): PSPTESRHSL[Ser783Cys]IPPVSSPPEQ